The following is an entry in ClinVar:

ClinVar aggregate classification (germline): Uncertain significance. Review status: criteria provided, multiple submitters, no conflicts (2 of 4 stars). 4 submissions from 4 submitters: Uncertain significance (3). 1 of the submissions does not count toward it. Last evaluated 2022-12-11.

Conditions:
Hereditary cancer-predisposing syndrome. Also called: Hereditary Cancer Syndrome; Hereditary neoplastic syndrome; Tumor predisposition; Neoplastic Syndromes, Hereditary. Identifiers: Orphanet 140162, MedGen C0027672, MeSH D009386, MONDO:0015356.
Familial cancer of breast. Also called: BREAST CANCER, FAMILIAL; hereditary breast carcinoma; Hereditary breast cancer. Identifiers: Orphanet 227535, MedGen C0346153, MONDO:0016419, OMIM 114480. Disease mechanism: loss of function.

Submissions (4):

Labcorp Genetics (formerly Invitae), Labcorp
Classification: Uncertain significance for Familial cancer of breast. Last evaluated: 2022-12-11. Review status: criteria provided, single submitter. Criteria: Invitae Variant Classification Sherloc (09022015). Collection method: clinical testing. Allele origin: germline.
Comment: This missense change has been observed in individual(s) with breast cancer (PMID: 21285249). This variant is not present in population databases (gnomAD no frequency). This sequence change replaces lysine, which is basic and polar, with arginine, which is basic and polar, at codon 1048 of the PALB2 protein (p.Lys1048Arg). ClinVar contains an entry for this variant (Variation ID: 126717). In summary, the available evidence is currently insufficient to determine the role of this variant in disease. Therefore, it has been classified as a Variant of Uncertain Significance. Algorithms developed to predict the effect of missense changes on protein structure and function (SIFT, PolyPhen-2, Align-GVGD) all suggest that this variant is likely to be tolerated.

Color Diagnostics, LLC DBA Color Health
Classification: Uncertain significance for Hereditary cancer-predisposing syndrome. Last evaluated: 2020-11-03. Review status: criteria provided, single submitter. Criteria: ACMG Guidelines, 2015. Collection method: clinical testing. Allele origin: germline.
Comment: This missense variant replaces lysine with arginine at codon 1048 of the PALB2 protein. Computational prediction is inconclusive regarding the impact of this variant on protein structure and function (internally defined REVEL score threshold 0.5 < inconclusive < 0.7, PMID: 27666373). To our knowledge, functional studies have not been reported for this variant. This variant has been reported in individuals affected with breast cancer (PMID: 21285249). This variant has not been identified in the general population by the Genome Aggregation Database (gnomAD). The available evidence is insufficient to determine the role of this variant in disease conclusively. Therefore, this variant is classified as a Variant of Uncertain Significance.

Ambry Genetics
Classification: Uncertain significance for Hereditary cancer-predisposing syndrome. Last evaluated: 2020-09-03. Review status: criteria provided, single submitter. Criteria: Ambry Variant Classification Scheme 2023. Collection method: clinical testing. Allele origin: germline.
Comment: The p.K1048R variant (also known as c.3143A>G), located in coding exon 11 of the PALB2 gene, results from an A to G substitution at nucleotide position 3143. The lysine at codon 1048 is replaced by arginine, an amino acid with highly similar properties. This alteration was reported in 1/1144 familial breast cancer patients who had previously tested negative for mutations in BRCA1/2 (Casadei S et al. Cancer Res., 2011 Mar;71:2222-9). This amino acid position is well conserved in available vertebrate species. In addition, this alteration is predicted to be tolerated by in silico analysis. Since supporting evidence is limited at this time, the clinical significance of this alteration remains unclear.

Leiden Open Variation Database
Classification: Uncertain significance for Familial cancer of breast. Last evaluated: 2019-05-13. Review status: no assertion criteria provided. Collection method: curation. Allele origin: germline. Affected: yes. Not counted in ClinVar's aggregate classification.
Comment: Curators: Marc Tischkowitz, Arleen D. Auerbach. Submitter to LOVD: Marc Tischkowitz.

Literature cited by the submitters: PubMed 21285249 (cited by 3 submitters).

NM_024675.4(PALB2):c.3143A>G (p.Lys1048Arg)

Gene: PALB2 (partner and localizer of BRCA2; minus strand). Cytogenetic location: 16p12.2.
Variant type: single nucleotide variant.
Coding change: c.3143A>G on transcript NM_024675.4 (MANE Select); coding-DNA position 3143, A replaced by G.
Protein change: p.Lys1048Arg; replaces lysine 1048 with arginine.
Molecular consequence: missense variant.
Genome position (GRCh38, 1-based): chr16:23,614,062, T>C on the plus strand (A>G on the coding strand, the complement: PALB2 is on the minus strand). VCF-style: chr16-23614062-T-C. GRCh37 (hg19) VCF-style: chr16-23625383-T-C.
Other names: short protein forms K1048R.
Identifiers: ClinVar variation 126717 (VCV000126717.11), dbSNP rs515726107, ClinGen allele CA269601.